The following is an entry in ClinVar:

NM_177965.4(CFAP418):c.254C>T (p.Ser85Phe)

Gene: CFAP418 (cilia and flagella associated protein 418; minus strand). Cytogenetic location: 8q22.1.
Variant type: single nucleotide variant.
Coding change: c.254C>T on transcript NM_177965.4 (MANE Select); coding-DNA position 254, C replaced by T.
Protein change: p.Ser85Phe; replaces serine 85 with phenylalanine.
Molecular consequence: missense variant.
Genome position (GRCh38, 1-based): chr8:95,260,522, G>A on the plus strand (C>T on the coding strand, the complement: CFAP418 is on the minus strand). VCF-style: chr8-95260522-G-A. GRCh37 (hg19) VCF-style: chr8-96272750-G-A.
Other names: c.254C>T (NM_177965.3); c.254C>T, p.Ser85Phe (NM_001363260.1); short protein forms S85F.
Identifiers: ClinVar variation 1681133 (VCV001681133.8), dbSNP rs764463463, ClinGen allele CA4815198.

ClinVar aggregate classification (germline): Uncertain significance. Review status: criteria provided, multiple submitters, no conflicts (2 of 4 stars). 4 submissions from 4 submitters: Uncertain significance (3). 1 of the submissions does not count toward it. Last evaluated 2022-10-25.

Conditions:
CFAP418-related disorder. Also called: CFAP418-related condition.
Cone-rod dystrophy 16 (CORD16). Identifiers: MedGen C3281045, MONDO:0013786, OMIM 614500.
Bardet-biedl syndrome 21. Identifiers: MedGen C4319932, MONDO:0044308, OMIM 617406.
Retinitis pigmentosa (RP). Identifiers: Orphanet 791, MedGen C0035334, MeSH D012174, MONDO:0019200, OMIM 268000. Inheritance: Autosomal dominant, autosomal recessive and X linked inheritance.

Allele frequency attached by ClinVar (database versions not stated): gnomAD 0.00003; gnomAD exomes 0.00004 and 0.00010; TOPMed 0.00006; ExAC 0.00010.

Submissions (4):

Labcorp Genetics (formerly Invitae), Labcorp
Classification: Uncertain significance. Last evaluated: 2022-10-25. Review status: criteria provided, single submitter. Criteria: Invitae Variant Classification Sherloc (09022015). Collection method: clinical testing. Allele origin: germline.
Comment: This sequence change replaces serine, which is neutral and polar, with phenylalanine, which is neutral and non-polar, at codon 85 of the C8orf37 protein (p.Ser85Phe). This variant is present in population databases (rs764463463, gnomAD 0.06%). This variant has not been reported in the literature in individuals affected with C8orf37-related conditions. ClinVar contains an entry for this variant (Variation ID: 1681133). Algorithms developed to predict the effect of missense changes on protein structure and function are either unavailable or do not agree on the potential impact of this missense change (SIFT: "Deleterious"; PolyPhen-2: "Probably Damaging"; Align-GVGD: "Class C0"). Algorithms developed to predict the effect of sequence changes on RNA splicing suggest that this variant may create or strengthen a splice site. In summary, the available evidence is currently insufficient to determine the role of this variant in disease. Therefore, it has been classified as a Variant of Uncertain Significance.

Blueprint Genetics
Classification: Uncertain significance. Last evaluated: 2022-09-09. Review status: criteria provided, single submitter. Criteria: ACMG Guidelines, 2015. Collection method: clinical testing. Allele origin: germline.

Fulgent Genetics
Classification: Uncertain significance for Retinitis pigmentosa; Cone-rod dystrophy 16; Bardet-biedl syndrome 21. Last evaluated: 2022-03-02. Review status: criteria provided, single submitter. Criteria: ACMG Guidelines, 2015. Collection method: clinical testing. Allele origin: unknown.

PreventionGenetics, part of Exact Sciences
Classification: Uncertain significance for CFAP418-related condition. Last evaluated: 2024-09-05. Review status: no assertion criteria provided. Collection method: clinical testing. Allele origin: germline. Not counted in ClinVar's aggregate classification.
Comment: The CFAP418 c.254C>T variant is predicted to result in the amino acid substitution p.Ser85Phe. To our knowledge, this variant has not been reported in the literature. This variant is reported in 0.071% of alleles in individuals of Latino descent in gnomAD, which may be too common to be a primary cause of disease. Although we suspect that this variant may be benign, at this time, the clinical significance of this variant is uncertain due to the absence of conclusive functional and genetic evidence.